The following is an entry in ClinVar:

ClinVar aggregate classification (germline): Uncertain significance (1 of 4 stars; one submission).

Submission:

Ambry Genetics
Classification: Uncertain significance. Last evaluated: 2022-05-27. Review status: criteria provided, single submitter. Criteria: Ambry Variant Classification Scheme 2023. Collection method: clinical testing. Allele origin: germline.
Comment: The c.1817_1819delGTC variant (also known as p.C606_H607delinsY), located in coding exon 14 of the RECQL gene, results from an in-frame GTC deletion at nucleotide positions 1817 to 1819. The cysteine and histidine residues at codons 606 and 607 are replaced by a tyrosine residue. This amino acid region is not well conserved in available vertebrate species. In addition, this alteration is predicted to be neutral by in silico analysis (Choi Y et al. PLoS ONE. 2012; 7(10):e46688). The evidence for this gene-disease relationship is limited; therefore, the clinical significance of this alteration is unclear.

NM_002907.4(RECQL):c.1817_1819del (p.Cys606_His607delinsTyr)

Genes: PYROXD1 (pyridine nucleotide-disulphide oxidoreductase domain 1; plus strand), RECQL (RecQ like helicase; minus strand). Cytogenetic location: 12p12.1.
Variant type: Deletion.
Coding change: c.1817_1819del on transcript NM_002907.4 (MANE Select); coding-DNA positions 1817 to 1819, 3 bases deleted (GTC; older notation c.1817_1819delGTC).
Protein change: p.Cys606_His607delinsTyr.
Molecular consequence: inframe indel. On other transcripts: 3 prime UTR variant (3).
Genome position (GRCh38, 1-based): chr12:21,470,325-21,470,327, GAC deleted on the plus strand (GTC on the coding strand, the reverse complement: RECQL is on the minus strand). VCF-style (leftmost placement, unchanged base first): chr12-21470324-TGAC-T. GRCh37 (hg19) VCF-style: chr12-21623258-TGAC-T.
Other names: c.1817_1819del, p.Cys606_His607delinsTyr (NM_032941.3); c.*1571_*1573del (NM_001350912.2, NM_001350913.2, NM_024854.5).
Identifiers: ClinVar variation 1780682 (VCV001780682.2), dbSNP rs2540306776, ClinGen allele CA2580085252.